The following is an entry in ClinVar:

ClinVar aggregate classification (germline): Uncertain significance. Review status: criteria provided, multiple submitters, no conflicts (2 of 4 stars). 2 submissions from 2 submitters: Uncertain significance (2). Last evaluated 2025-06-04.

Conditions:
Inborn genetic diseases. Identifiers: MedGen C0950123, MeSH D030342.

Submissions (2):

Labcorp Genetics (formerly Invitae), Labcorp
Classification: Uncertain significance. Last evaluated: 2025-06-04. Review status: criteria provided, single submitter. Criteria: Invitae Variant Classification Sherloc (09022015). Collection method: clinical testing. Allele origin: germline.
Comment: This sequence change replaces proline, which is neutral and non-polar, with serine, which is neutral and polar, at codon 1555 of the SAMD9L protein (p.Pro1555Ser). This variant is not present in population databases (gnomAD no frequency). This variant has not been reported in the literature in individuals affected with SAMD9L-related conditions. ClinVar contains an entry for this variant (Variation ID: 3792407). Invitae Evidence Modeling of protein sequence and biophysical properties (such as structural, functional, and spatial information, amino acid conservation, physicochemical variation, residue mobility, and thermodynamic stability) indicates that this missense variant is not expected to disrupt SAMD9L protein function with a negative predictive value of 80%. In summary, the available evidence is currently insufficient to determine the role of this variant in disease. Therefore, it has been classified as a Variant of Uncertain Significance.

Ambry Genetics
Classification: Uncertain significance for Inborn genetic diseases. Last evaluated: 2025-02-09. Review status: criteria provided, single submitter. Criteria: Ambry Variant Classification Scheme 2023. Collection method: clinical testing. Allele origin: germline.
Comment: The p.P1555S variant (also known as c.4663C>T), located in coding exon 1 of the SAMD9L gene, results from a C to T substitution at nucleotide position 4663. The proline at codon 1555 is replaced by serine, an amino acid with similar properties. This amino acid position is conserved. In addition, this alteration is predicted to be tolerated by in silico analysis. Based on the available evidence, the clinical significance of this variant remains unclear.

NM_152703.5(SAMD9L):c.4663C>T (p.Pro1555Ser)

Gene: SAMD9L (sterile alpha motif domain containing 9 like; minus strand). Cytogenetic location: 7q21.2.
Variant type: single nucleotide variant.
Coding change: c.4663C>T on transcript NM_152703.5 (MANE Select); coding-DNA position 4663, C replaced by T.
Protein change: p.Pro1555Ser; replaces proline 1555 with serine.
Molecular consequence: missense variant.
Genome position (GRCh38, 1-based): chr7:93,131,309, G>A on the plus strand (C>T on the coding strand, the complement: SAMD9L is on the minus strand). VCF-style: chr7-93131309-G-A. GRCh37 (hg19) VCF-style: chr7-92760622-G-A.
Other names: c.4663C>T, p.Pro1555Ser (NM_001303496.3, NM_001303497.3, NM_001303498.3 and 5 more transcripts); short protein forms P1555S.
Identifiers: ClinVar variation 3792407 (VCV003792407.2).